The following is an entry in ClinVar:

ClinVar aggregate classification (germline): Uncertain significance (1 of 4 stars; one submission).

gnomAD v4.1: 23 of 1,614,006 alleles (0.0014%); highest among the groups gnomAD compares: Non-Finnish European, 0.0018%; no homozygotes.

Submission:

Labcorp Genetics (formerly Invitae), Labcorp
Classification: Uncertain significance. Last evaluated: 2022-03-24. Review status: criteria provided, single submitter. Criteria: Invitae Variant Classification Sherloc (09022015). Collection method: clinical testing. Allele origin: germline.
Comment: This sequence change replaces phenylalanine, which is neutral and non-polar, with leucine, which is neutral and non-polar, at codon 9 of the C5 protein (p.Phe9Leu). This variant is present in population databases (rs776535387, gnomAD 0.0009%). This variant has not been reported in the literature in individuals affected with C5-related conditions. Algorithms developed to predict the effect of missense changes on protein structure and function output the following: SIFT: "Tolerated"; PolyPhen-2: "Not Available"; Align-GVGD: "Class C0". The leucine amino acid residue is found in multiple mammalian species, which suggests that this missense change does not adversely affect protein function. In summary, the available evidence is currently insufficient to determine the role of this variant in disease. Therefore, it has been classified as a Variant of Uncertain Significance.

NM_001735.3(C5):c.25T>C (p.Phe9Leu)

Gene: C5 (complement C5; minus strand). Cytogenetic location: 9q33.2.
Variant type: single nucleotide variant.
Coding change: c.25T>C on transcript NM_001735.3 (MANE Select); coding-DNA position 25, T replaced by C.
Protein change: p.Phe9Leu; replaces phenylalanine 9 with leucine.
Molecular consequence: missense variant. On other transcripts: intron variant (1).
Genome position (GRCh38, 1-based): chr9:121,050,222, A>G on the plus strand (T>C on the coding strand, the complement: C5 is on the minus strand). VCF-style: chr9-121050222-A-G. GRCh37 (hg19) VCF-style: chr9-123812500-A-G.
Other names: c.25T>C, p.Phe9Leu (NM_001317164.2); c.84-3839T>C (NM_001317163.2); short protein forms F9L.
Identifiers: ClinVar variation 2116530 (VCV002116530.3), dbSNP rs776535387, ClinGen allele CA5218505.